The following is an entry in ClinVar:

ClinVar aggregate classification (germline): Pathogenic (1 of 4 stars; one submission).

Submission:

Labcorp Genetics (formerly Invitae), Labcorp
Classification: Pathogenic. Last evaluated: 2019-11-15. Review status: criteria provided, single submitter. Criteria: Invitae Variant Classification Sherloc (09022015). Collection method: clinical testing. Allele origin: germline.
Comment: For these reasons, this variant has been classified as Pathogenic. Loss-of-function variants in XPC are known to be pathogenic (PMID: 23173980, 25256075). This variant has not been reported in the literature in individuals with XPC-related conditions. This variant is not present in population databases (ExAC no frequency). This sequence change creates a premature translational stop signal (p.Phe614Hisfs*37) in the XPC gene. It is expected to result in an absent or disrupted protein product.

Literature cited by the submitters: PubMed 23173980; PubMed 25256075.

NM_004628.5(XPC):c.1837_1838dup (p.Phe614fs)

Gene: XPC (XPC complex subunit, DNA damage recognition and repair factor; minus strand). Cytogenetic location: 3p25.1.
Variant type: Duplication.
Coding change: c.1837_1838dup on transcript NM_004628.5 (MANE Select); coding-DNA positions 1837 to 1838, 2 bases duplicated (CC; older notation c.1837_1838dupCC).
Protein change: p.Phe614fs; shifts the reading frame from phenylalanine 614.
Molecular consequence: frameshift variant. On other transcripts: non-coding transcript variant (2), intron variant (1).
Genome position (GRCh38, 1-based): chr3:14,158,045-14,158,046, GG duplicated on the plus strand (CC on the coding strand, the reverse complement: XPC is on the minus strand); duplicating any 2 consecutive bases within chr3:14,158,045-14,158,047 gives the same sequence; the c. name uses the placement nearest the transcript's 3' end. VCF-style (leftmost placement, unchanged base first): chr3-14158044-T-TGG. GRCh37 (hg19) VCF-style: chr3-14199544-T-TGG.
Other names: c.1258_1259dup, p.Phe421fs (NM_001354726.2); c.1837_1838dup, p.Phe614fs (NM_001354727.2); c.1819_1820dup, p.Phe608fs (NM_001354729.2); c.1626+211_1626+212dup (NM_001354730.2); short protein forms F614fs, F421fs, F608fs.
Identifiers: ClinVar variation 958046 (VCV000958046.7), dbSNP rs1695990121, ClinGen allele CA1139657901.